The following is an entry in ClinVar:

NM_152327.5(AK7):c.1877C>T (p.Ala626Val)

Gene: AK7 (adenylate kinase 7; plus strand). Cytogenetic location: 14q32.2.
Variant type: single nucleotide variant.
Coding change: c.1877C>T on transcript NM_152327.5 (MANE Select); coding-DNA position 1877, C replaced by T.
Protein change: p.Ala626Val; replaces alanine 626 with valine.
Molecular consequence: missense variant.
Genome position (GRCh38, 1-based): chr14:96,483,122, C>T. VCF-style: chr14-96483122-C-T. GRCh37 (hg19) VCF-style: chr14-96949459-C-T.
Other names: c.1808C>T, p.Ala603Val (NM_001350888.2, NM_001350890.2); c.1799C>T, p.Ala600Val (NM_001350891.2); c.1679C>T, p.Ala560Val (NM_001350892.2); c.1877C>T (NM_152327.2); short protein forms A560V, A626V, A600V, A603V.
Identifiers: ClinVar variation 2754379 (VCV002754379.4), dbSNP rs759044085, ClinGen allele CA7337990.
Genomic context (GRCh38, chr14:96,483,122, plus strand): 5'-GGGAGCCTCGAAATTATGGTTTAACAGACGAAGAAAAGGCAGAAGAGGAGCGGAAGGCTG[C>T]GGAGGAGCGGCTGGCCAGGGAGGCTGCTGAGGAAGCAGAACGCGAGCACCAGGAGGCCGT-3'
Protein context (NP_689540.2, residues 616-636): EEKAEEERKA[Ala626Val]EERLAREAAE

ClinVar aggregate classification (germline): Uncertain significance. Review status: criteria provided, multiple submitters, no conflicts (2 of 4 stars). 2 submissions from 2 submitters: Uncertain significance (2). Last evaluated 2025-10-03.

Allele frequency attached by ClinVar (database versions not stated): gnomAD exomes 0.00001; TOPMed 0.00002; ExAC 0.00001; gnomAD 0.00001.
gnomAD v4.1: 21 of 1,613,958 alleles (0.0013%); highest among the groups gnomAD compares: Admixed American, 0.0067%; no homozygotes.

Submissions (2):

Labcorp Genetics (formerly Invitae), Labcorp
Classification: Uncertain significance. Last evaluated: 2025-10-03. Review status: criteria provided, single submitter. Criteria: Invitae Variant Classification Sherloc (09022015). Collection method: clinical testing. Allele origin: germline.
Comment: This sequence change replaces alanine, which is neutral and non-polar, with valine, which is neutral and non-polar, at codon 626 of the AK7 protein (p.Ala626Val). This variant is present in population databases (rs759044085, gnomAD 0.009%). This variant has not been reported in the literature in individuals affected with AK7-related conditions. ClinVar contains an entry for this variant (Variation ID: 2754379). Invitae Evidence Modeling of protein sequence and biophysical properties (such as structural, functional, and spatial information, amino acid conservation, physicochemical variation, residue mobility, and thermodynamic stability) indicates that this missense variant is not expected to disrupt AK7 protein function with a negative predictive value of 80%. In summary, the available evidence is currently insufficient to determine the role of this variant in disease. Therefore, it has been classified as a Variant of Uncertain Significance.

Ambry Genetics
Classification: Uncertain significance. Last evaluated: 2024-09-26. Review status: criteria provided, single submitter. Criteria: Ambry Variant Classification Scheme 2023. Collection method: clinical testing. Allele origin: germline.